The following is an entry in ClinVar:

ClinVar aggregate classification (germline): Uncertain significance (1 of 4 stars; one submission).

Conditions:
Evans syndrome, immunodeficiency, and premature immunosenescence associated with tripeptidyl-peptidase II deficiency. Identifiers: MedGen CN231723. Disease mechanism: loss of function.

Allele frequency attached by ClinVar (database versions not stated): ExAC 0.00001; gnomAD 0.00001; gnomAD exomes 0.00001 and 0.00006; TOPMed 0.00001.
gnomAD v4.1: 84 of 1,612,978 alleles (0.0052%); highest among the groups gnomAD compares: Non-Finnish European, 0.0068%; no homozygotes.

Submission:

Labcorp Genetics (formerly Invitae), Labcorp
Classification: Uncertain significance for Evans syndrome, immunodeficiency, and premature immunosenescence associated with tripeptidyl-peptidase II deficiency. Last evaluated: 2021-12-24. Review status: criteria provided, single submitter. Criteria: Invitae Variant Classification Sherloc (09022015). Collection method: clinical testing. Allele origin: germline.
Comment: Algorithms developed to predict the effect of missense changes on protein structure and function are either unavailable or do not agree on the potential impact of this missense change (SIFT: "Tolerated"; PolyPhen-2: "Possibly Damaging"; Align-GVGD: "Class C0"). ClinVar contains an entry for this variant (Variation ID: 1059327). This variant has not been reported in the literature in individuals affected with TPP2-related conditions. This variant is present in population databases (rs199675473, gnomAD 0.003%). This sequence change replaces glutamine, which is neutral and polar, with arginine, which is basic and polar, at codon 581 of the TPP2 protein (p.Gln581Arg). In summary, the available evidence is currently insufficient to determine the role of this variant in disease. Therefore, it has been classified as a Variant of Uncertain Significance.

NM_001330588.2(TPP2):c.1742A>G (p.Gln581Arg)

Gene: TPP2 (tripeptidyl peptidase 2; plus strand). Cytogenetic location: 13q33.1.
Variant type: single nucleotide variant.
Coding change: c.1742A>G on transcript NM_001330588.2 (MANE Select); coding-DNA position 1742, A replaced by G.
Protein change: p.Gln581Arg; replaces glutamine 581 with arginine.
Molecular consequence: missense variant. On other transcripts: non-coding transcript variant (1).
Genome position (GRCh38, 1-based): chr13:102,637,145, A>G. VCF-style: chr13-102637145-A-G. GRCh37 (hg19) VCF-style: chr13-103289495-A-G.
Other names: c.1742A>G, p.Gln581Arg (NM_001367947.1, NM_003291.4); short protein forms Q581R.
Identifiers: ClinVar variation 1059327 (VCV001059327.7), dbSNP rs199675473, ClinGen allele CA7037817.